The following is an entry in ClinVar:

NM_182641.4(BPTF):c.3917T>C (p.Met1306Thr)

Gene: BPTF (bromodomain PHD finger transcription factor; plus strand). Cytogenetic location: 17q24.2.
Variant type: single nucleotide variant.
Coding change: c.3917T>C on transcript NM_182641.4 (MANE Select); coding-DNA position 3917, T replaced by C.
Protein change: p.Met1306Thr; replaces methionine 1306 with threonine.
Molecular consequence: missense variant.
Genome position (GRCh38, 1-based): chr17:67,911,801, T>C. VCF-style: chr17-67911801-T-C. GRCh37 (hg19) VCF-style: chr17-65907917-T-C.
Other names: c.4295T>C, p.Met1432Thr (NM_004459.7); short protein forms M1306T, M1432T.
Identifiers: ClinVar variation 2474251 (VCV002474251.3), dbSNP rs772736510, ClinGen allele CA8725727.

ClinVar aggregate classification (germline): Uncertain significance (1 of 4 stars; one submission).

Conditions:
Inborn genetic diseases. Identifiers: MedGen C0950123, MeSH D030342.

Allele frequency attached by ClinVar (database versions not stated): gnomAD exomes below 0.00001.

Submission:

Ambry Genetics
Classification: Uncertain significance for Inborn genetic diseases. Last evaluated: 2026-05-12. Review status: criteria provided, single submitter. Criteria: Ambry Variant Classification Scheme 2023. Collection method: clinical testing. Allele origin: germline.
Comment: The c.3917T>C (p.M1306T) alteration is located in exon 11 (coding exon 11) of the BPTF gene. This alteration results from a T to C substitution at nucleotide position 3917, causing the methionine (M) at amino acid position 1306 to be replaced by a threonine (T). Based on data from gnomAD, the C allele has an overall frequency of <0.001% (1/251302) total alleles studied. The highest observed frequency was 0.001% (1/113624) of European (non-Finnish) alleles. Based on insufficient or conflicting evidence, the clinical significance of this alteration remains unclear.